The following is an entry in ClinVar:

NM_001111.5(ADAR):c.104C>T (p.Ser35Phe)

Gene: ADAR (adenosine deaminase RNA specific; minus strand). Cytogenetic location: 1q21.3.
Variant type: single nucleotide variant.
Coding change: c.104C>T on transcript NM_001111.5 (MANE Select); coding-DNA position 104, C replaced by T.
Protein change: p.Ser35Phe; replaces serine 35 with phenylalanine.
Molecular consequence: missense variant. On other transcripts: 5 prime UTR variant (6).
Genome position (GRCh38, 1-based): chr1:154,602,538, G>A on the plus strand (C>T on the coding strand, the complement: ADAR is on the minus strand). VCF-style: chr1-154602538-G-A. GRCh37 (hg19) VCF-style: chr1-154575014-G-A.
Other names: c.-782C>T (NM_001025107.3, NM_001193495.2, NM_001365048.1); c.131C>T, p.Ser44Phe (NM_001365045.1); c.-646C>T (NM_001365046.1, NM_001365047.1, NM_001365049.1); c.104C>T, p.Ser35Phe (NM_015840.4, NM_015841.4); short protein forms S35F, S44F.
Identifiers: ClinVar variation 3251099 (VCV003251099.18), dbSNP rs759173512.

ClinVar aggregate classification (germline): Uncertain significance (1 of 4 stars; one submission).

Allele frequency attached by ClinVar (database versions not stated): ExAC 0.00002.
gnomAD v4.1: 3 of 1,614,232 alleles (0.00019%); highest among the groups gnomAD compares: Non-Finnish European, 0.00025%; no homozygotes.

Submission:

CeGaT Center for Human Genetics Tuebingen
Classification: Uncertain significance. Last evaluated: 2024-06-01. Review status: criteria provided, single submitter. Criteria: CeGaT Center For Human Genetics Tuebingen Variant Classification Criteria Version 2. Collection method: clinical testing. Allele origin: germline. Affected: yes. Observed: 1 variant allele.
Comment: ADAR: PM2, BP4